The following is an entry in ClinVar:

NC_000001.10:g.(61554353_61743191)_(61928461_?)dup

Gene: NFIA (nuclear factor I A; plus strand). Cytogenetic location: 1p31.3.
Variant type: Duplication.
Identifiers: ClinVar variation 4887212 (VCV004887212.1).

ClinVar aggregate classification (germline): Uncertain significance (1 of 4 stars; one submission).

Submission:

Women's Health and Genetics/Laboratory Corporation of America, LabCorp
Classification: Uncertain significance. Last evaluated: 2026-06-16. Review status: criteria provided, single submitter. Criteria: LabCorp Variant Classification Summary - May 2015. Collection method: clinical testing. Allele origin: germline.
Comment: Variant summary: The variant involves the duplication of exons 3-10 in the NFIA gene. A presumed nomenclature of c.(559+1_560-1)_(*7410_?)dup has been designated for the purposes of this classification. The exact breakpoint at the 3' end of this variant is unknown, therefore this duplication may extend downstream of the annotated region of the gene. As it duplicates the termination codon, its effect on the encoded protein is unknown. The variant allele was found at a frequency of 4.6e-05 in 21692 control chromosomes. The available data on variant occurrences in the general population are insufficient to allow any conclusion about variant significance. To our knowledge, no occurrence of c.(559+1_560-1)_(*7410_?)dup in individuals affected with NFIA-related conditions and no experimental evidence demonstrating its impact on protein function have been reported. ClinVar contains an entry for this variant (Variation ID: 2425383). Based on the evidence outlined above, the variant was classified as uncertain significance.